The following is an entry in ClinVar:

ClinVar aggregate classification (germline): Uncertain significance (1 of 4 stars; one submission).

Submission:

Labcorp Genetics (formerly Invitae), Labcorp
Classification: Uncertain significance. Last evaluated: 2024-04-30. Review status: criteria provided, single submitter. Criteria: Invitae Variant Classification Sherloc (09022015). Collection method: clinical testing. Allele origin: germline.
Comment: This sequence change replaces leucine, which is neutral and non-polar, with valine, which is neutral and non-polar, at codon 200 of the DNAAF4 protein (p.Leu200Val). This variant is not present in population databases (gnomAD no frequency). This variant has not been reported in the literature in individuals affected with DNAAF4-related conditions. Advanced modeling of protein sequence and biophysical properties (such as structural, functional, and spatial information, amino acid conservation, physicochemical variation, residue mobility, and thermodynamic stability) performed at Invitae indicates that this missense variant is not expected to disrupt DNAAF4 protein function with a negative predictive value of 80%. In summary, the available evidence is currently insufficient to determine the role of this variant in disease. Therefore, it has been classified as a Variant of Uncertain Significance.

NM_130810.4(DNAAF4):c.598C>G (p.Leu200Val)

Genes: DNAAF4 (dynein axonemal assembly factor 4; minus strand), DNAAF4-CCPG1 (DNAAF4-CCPG1 readthrough (NMD candidate); minus strand). Cytogenetic location: 15q21.3.
Variant type: single nucleotide variant.
Coding change: c.598C>G on transcript NM_130810.4 (MANE Select); coding-DNA position 598, C replaced by G.
Protein change: p.Leu200Val; replaces leucine 200 with valine.
Molecular consequence: missense variant. On other transcripts: non-coding transcript variant (1).
Genome position (GRCh38, 1-based): chr15:55,466,969, G>C on the plus strand (C>G on the coding strand, the complement: DNAAF4 is on the minus strand). VCF-style: chr15-55466969-G-C. GRCh37 (hg19) VCF-style: chr15-55759167-G-C.
Other names: c.598C>G, p.Leu200Val (NM_001033559.3, NM_001033560.2); short protein forms L200V.
Identifiers: ClinVar variation 2880864 (VCV002880864.3), dbSNP rs2543502339, ClinGen allele CA392553028.